The following is an entry in ClinVar:

NM_022124.6(CDH23):c.9148G>A (p.Val3050Met)

Gene: CDH23 (cadherin related 23; plus strand). Cytogenetic location: 10q22.1.
Variant type: single nucleotide variant.
Coding change: c.9148G>A on transcript NM_022124.6 (MANE Select); coding-DNA position 9148, G replaced by A.
Protein change: p.Val3050Met; replaces valine 3050 with methionine.
Molecular consequence: missense variant.
Genome position (GRCh38, 1-based): chr10:71,811,385, G>A. VCF-style: chr10-71811385-G-A. GRCh37 (hg19) VCF-style: chr10-73571142-G-A.
Other names: c.2428G>A, p.Val810Met (NM_001171933.1, NM_001171934.1); short protein forms V3050M, V810M.
Identifiers: ClinVar variation 2140234 (VCV002140234.4), dbSNP rs367912333, ClinGen allele CA5546896.

ClinVar aggregate classification (germline): Uncertain significance. Review status: criteria provided, multiple submitters, no conflicts (2 of 4 stars). 2 submissions from 2 submitters: Uncertain significance (2). Last evaluated 2024-08-30.

gnomAD v4.1: 37 of 1,613,788 alleles (0.0023%); highest among the groups gnomAD compares: South Asian, 0.0055%; no homozygotes.

Submissions (2):

Labcorp Genetics (formerly Invitae), Labcorp
Classification: Uncertain significance. Last evaluated: 2024-08-30. Review status: criteria provided, single submitter. Criteria: Invitae Variant Classification Sherloc (09022015). Collection method: clinical testing. Allele origin: germline.
Comment: This sequence change replaces valine, which is neutral and non-polar, with methionine, which is neutral and non-polar, at codon 3050 of the CDH23 protein (p.Val3050Met). This variant is present in population databases (rs367912333, gnomAD 0.02%). This missense change has been observed in individual(s) with deafness (PMID: 32467589). ClinVar contains an entry for this variant (Variation ID: 2140234). Invitae Evidence Modeling of protein sequence and biophysical properties (such as structural, functional, and spatial information, amino acid conservation, physicochemical variation, residue mobility, and thermodynamic stability) indicates that this missense variant is not expected to disrupt CDH23 protein function with a negative predictive value of 95%. In summary, the available evidence is currently insufficient to determine the role of this variant in disease. Therefore, it has been classified as a Variant of Uncertain Significance.

Blueprint Genetics
Classification: Uncertain significance. Last evaluated: 2022-12-15. Review status: criteria provided, single submitter. Criteria: ACMG Guidelines, 2015. Collection method: clinical testing. Allele origin: germline.

Literature cited by the submitters: PubMed 32467589 (cited by Labcorp Genetics (formerly Invitae), Labcorp).